The following is an entry in ClinVar:

NM_000038.6(APC):c.1823_1824insA (p.Val609fs)

Gene: APC (APC regulator of Wnt signaling pathway; plus strand). Cytogenetic location: 5q22.2.
Variant type: Insertion.
Coding change: c.1823_1824insA on transcript NM_000038.6 (MANE Select); coding-DNA positions 1823 to 1824, A inserted.
Protein change: p.Val609fs; shifts the reading frame from valine 609.
Molecular consequence: frameshift variant. On other transcripts: non-coding transcript variant (2).
Genome position: GRCh38 VCF-style: chr5-112835030-C-CA. GRCh37 (hg19) VCF-style: chr5-112170727-C-CA.
Other names: c.1520_1521insA, p.Val508fs (NM_001407460.1, NM_001354903.2, NM_001407458.1 and 1 more transcripts); c.1436_1437insA, p.Val480fs (NM_001407467.1, NM_001407469.1); c.974_975insA, p.Val326fs (NM_001407470.1, NM_001354906.2); c.671_672insA, p.Val225fs (NM_001407471.1, NM_001407472.1); c.1823_1824insA, p.Val609fs (NM_001127510.3, NM_001354895.2, NM_001407450.1); c.1769_1770insA, p.Val591fs (NM_001127511.3); c.1877_1878insA, p.Val627fs (NM_001354896.2, NM_001407447.1, NM_001407448.1 and 1 more transcripts); c.1853_1854insA, p.Val619fs (NM_001354897.2); and 11 more; short protein forms V225fs, V326fs, V449fs, V480fs, V483fs, V508fs, V518fs, V526fs.
Identifiers: ClinVar variation 2583518 (VCV002583518.2), dbSNP rs2533335994, ClinGen allele CA658760569.
Genomic context (GRCh38, chr5:112,835,030, plus strand): 5'-TATTGAGTGCCTTATGGAATTTGTCAGCACATTGCACTGAGAATAAAGCTGATATATGTG[C>CA]TGTAGATGGTGCACTTGCATTTTTGGTTGGCACTCTTACTTACCGGAGCCAGACAAACAC-3'

ClinVar aggregate classification (germline): Pathogenic (1 of 4 stars; one submission).

Conditions:
Familial adenomatous polyposis 1 (FAP1). Also called: POLYPOSIS, ADENOMATOUS INTESTINAL; FAMILIAL ADENOMATOUS POLYPOSIS 1, ATTENUATED. Identifiers: MedGen C2713442, MONDO:0021056, OMIM 175100. Disease mechanism: loss of function.

Submission:

Myriad Genetics, Inc.
Classification: Pathogenic for Familial adenomatous polyposis 1. Last evaluated: 2023-05-03. Review status: criteria provided, single submitter. Criteria: Myriad Autosomal Dominant, Autosomal Recessive and X-Linked Classification Criteria (2023). Collection method: clinical testing. Allele origin: unknown.
Comment: This variant is considered pathogenic. This variant creates a frameshift predicted to result in premature protein truncation.